The following is an entry in ClinVar:

ClinVar aggregate classification (germline): Uncertain significance (1 of 4 stars; one submission).

Conditions:
Cardiovascular phenotype. Identifiers: MedGen CN230736.

Submission:

Ambry Genetics
Classification: Uncertain significance for Cardiovascular phenotype. Last evaluated: 2026-03-30. Review status: criteria provided, single submitter. Criteria: Ambry Variant Classification Scheme 2023. Collection method: clinical testing. Allele origin: germline.
Comment: The p.P2781Q variant (also known as c.8342C>A), located in coding exon 2 of the ZNF469 gene, results from a C to A substitution at nucleotide position 8342. The proline at codon 2781 is replaced by glutamine, an amino acid with similar properties. This amino acid position is conserved. In addition, this alteration is predicted to be tolerated by in silico analysis. Based on the available evidence, the clinical significance of this variant remains unclear.

NM_001367624.2(ZNF469):c.8426C>A (p.Pro2809Gln)

Gene: ZNF469 (zinc finger protein 469; plus strand). Cytogenetic location: 16q24.2.
Variant type: single nucleotide variant.
Coding change: c.8426C>A on transcript NM_001367624.2 (MANE Select); coding-DNA position 8426, C replaced by A.
Protein change: p.Pro2809Gln; replaces proline 2809 with glutamine.
Molecular consequence: missense variant.
Genome position (GRCh38, 1-based): chr16:88,435,896, C>A. VCF-style: chr16-88435896-C-A. GRCh37 (hg19) VCF-style: chr16-88502304-C-A.
Other names: NM_001127464.1:c.8342C>A; short protein forms P2809Q.
Identifiers: ClinVar variation 4866982 (VCV004866982.1).